The following is an entry in ClinVar:

ClinVar aggregate classification (germline): Likely pathogenic (1 of 4 stars; one submission).

Conditions:
Beck-Fahrner syndrome (BEFAHRS). Identifiers: Orphanet 684216, MedGen C5394097, MONDO:0032922, OMIM 618798.

Submission:

Institute of Human Genetics, University of Leipzig Medical Center
Classification: Likely pathogenic for Beck-Fahrner syndrome. Last evaluated: 2024-02-21. Review status: criteria provided, single submitter. Criteria: ACMG Guidelines, 2015. Collection method: clinical testing. Allele origin: unknown. Inheritance: Autosomal dominant inheritance. Affected: yes.
Comment: Criteria applied: PVS1,PM2_SUP

NM_001287491.2(TET3):c.3000_3013del (p.Lys1003fs)

Gene: TET3 (tet methylcytosine dioxygenase 3; plus strand). Cytogenetic location: 2p13.1.
Variant type: Deletion.
Coding change: c.3000_3013del on transcript NM_001287491.2 (MANE Select); coding-DNA positions 3000 to 3013, 14 bases deleted (ACCTCGCAAGTTCC).
Protein change: p.Lys1003fs; shifts the reading frame from lysine 1003.
Molecular consequence: frameshift variant.
Genome position (GRCh38, 1-based): chr2:74,090,008-74,090,021, ACCTCGCAAGTTCC deleted; deleting any 14 consecutive bases within chr2:74,090,007-74,090,021 gives the same sequence; the c. name uses the placement nearest the transcript's 3' end. VCF-style (leftmost placement, unchanged base first): chr2-74090006-ACACCTCGCAAGTTC-A. GRCh37 (hg19) VCF-style: chr2-74317133-ACACCTCGCAAGTTC-A.
Other names: c.2721_2734del, p.Lys910fs (NM_001366022.1); c.2595_2608delACCTCGCAAGTTCC, p.Lys868Argfs (NM_144993.1); short protein forms K1003fs, K910fs.
Identifiers: ClinVar variation 3024527 (VCV003024527.2), dbSNP rs2467635315, ClinGen allele CA2740095648.